The following is an entry in ClinVar:

NM_005629.4(SLC6A8):c.1631dup (p.Leu545fs)

Gene: SLC6A8 (solute carrier family 6 member 8; plus strand). Cytogenetic location: Xq28.
Variant type: Duplication.
Coding change: c.1631dup on transcript NM_005629.4 (MANE Select); coding-DNA position 1631, one base duplicated (C; older notation c.1631dupC).
Protein change: p.Leu545fs; shifts the reading frame from leucine 545.
Molecular consequence: frameshift variant.
Genome position (GRCh38, 1-based): chrX:153,694,753, C duplicated; the last of 2 consecutive C bases (chrX:153,694,752-153,694,753); duplicating either gives the same sequence. VCF-style (leftmost placement, unchanged base first): chrX-153694751-G-GC. GRCh37 (hg19) VCF-style: chrX-152960206-G-GC.
Other names: c.1601dup, p.Leu535fs (NM_001142805.2); c.1286dup, p.Leu430fs (NM_001142806.1); short protein forms L430fs, L535fs, L545fs.
Identifiers: ClinVar variation 4076179 (VCV004076179.1).

ClinVar aggregate classification (germline): Likely pathogenic (1 of 4 stars; one submission).

Conditions:
Creatine transporter deficiency (CCDS1). Also called: Mental retardation , X-linked with seizures, short stature and midface hypoplasia; Mental retardation , X-linked, with creatine transport deficiency; X-linked creatine transporter deficiency; X-linked creatine deficiency syndrome; SLC6A8-Related Creatine Transporter Deficiency; CREATINE TRANSPORTER DEFECT. Identifiers: Orphanet 52503, MedGen C1845862, MONDO:0010305, OMIM 300352.

Submission:

Laboratorio de Genetica e Diagnostico Molecular, Hospital Israelita Albert Einstein
Classification: Likely pathogenic for Creatine transporter deficiency. Last evaluated: 2024-09-29. Review status: criteria provided, single submitter. Criteria: ACMG Guidelines, 2015. Collection method: clinical testing. Allele origin: germline. Affected: yes.
Comment: ACMG classification criteria: PVS1 very strong, PM2 supporting